The following is an entry in ClinVar:

ClinVar aggregate classification (germline): Likely benign (1 of 4 stars; one submission).

Allele frequency attached by ClinVar (database versions not stated): TOPMed below 0.00001; ExAC 0.00002.
gnomAD v4.1: 22 of 1,208,617 alleles (0.0018%); highest among the groups gnomAD compares: Admixed American, 0.0022%; no homozygotes.

Submission:

CeGaT Center for Human Genetics Tuebingen
Classification: Likely benign. Last evaluated: 2022-07-01. Review status: criteria provided, single submitter. Criteria: CeGaT Center For Human Genetics Tuebingen Variant Classification Criteria Version 2. Collection method: clinical testing. Allele origin: germline. Affected: yes. Observed: 1 variant allele.
Comment: PHF8: BP4, BP7

NM_015107.3(PHF8):c.2562G>A (p.Pro854=)

Gene: PHF8 (PHD finger protein 8; minus strand). Cytogenetic location: Xp11.22.
Variant type: single nucleotide variant.
Coding change: c.2562G>A on transcript NM_015107.3 (MANE Select); coding-DNA position 2562, G replaced by A.
Protein change: p.Pro854=; no amino-acid change (proline 854 retained).
Molecular consequence: synonymous variant.
Genome position (GRCh38, 1-based): chrX:53,944,221, C>T on the plus strand (G>A on the coding strand, the complement: PHF8 is on the minus strand). VCF-style: chrX-53944221-C-T. GRCh37 (hg19) VCF-style: chrX-53970654-C-T.
Other names: c.2670G>A, p.Pro890= (NM_001184896.1); c.2259G>A, p.Pro753= (NM_001184897.2); c.2511G>A, p.Pro837= (NM_001184898.2).
Identifiers: ClinVar variation 2660643 (VCV002660643.24), dbSNP rs782729002, ClinGen allele CA10423264.